The following is an entry in ClinVar:

ClinVar aggregate classification (germline): Pathogenic (1 of 4 stars; one submission).

Conditions:
Primary hyperoxaluria, type I (HP1). Also called: Primary hyperoxaluria type 1; HEPATIC AGT DEFICIENCY; GLYCOLIC ACIDURIA; OXALOSIS I. Identifiers: Orphanet 416, Orphanet 93598, MedGen C0268164, MONDO:0009823, OMIM 259900. Disease mechanism: loss of function.

Submission:

Myriad Genetics, Inc.
Classification: Pathogenic for Primary hyperoxaluria, type I. Last evaluated: 2026-05-21. Review status: criteria provided, single submitter. Criteria: Myriad Autosomal Dominant, Autosomal Recessive and X-Linked Classification Criteria (2023). Collection method: clinical testing. Allele origin: unknown.
Comment: NM_000030.2(AGXT):c.1137_1153del17(L380Afs*27) is a readthrough frameshift variant classified as pathogenic in the context of primary hyperoxaluria type 1. L380Afs*27 has not been observed in cases with relevant disease. Relevant functional assessments of this variant are not available in the literature. L380Afs*27 has not been observed in referenced population frequency databases. In summary, NM_000030.2(AGXT):c.1137_1153del17(L380Afs*27) is a readthrough frameshift variant in a gene where loss of function is a known mechanism of disease and is predicted to disrupt protein function. Please note: this variant was assessed in the context of healthy population screening.

NM_000030.3(AGXT):c.1137_1153del (p.Leu380fs)

Gene: AGXT (alanine--glyoxylate aminotransferase; plus strand). Cytogenetic location: 2q37.3.
Variant type: Deletion.
Coding change: c.1137_1153del on transcript NM_000030.3 (MANE Select); coding-DNA positions 1137 to 1153, 17 bases deleted (CCTGAGGGCGGCCCTGC).
Protein change: p.Leu380fs; shifts the reading frame from leucine 380.
Molecular consequence: frameshift variant.
Genome position (GRCh38, 1-based): chr2:240,878,779-240,878,795, CCTGAGGGCGGCCCTGC deleted; deleting any 17 consecutive bases within chr2:240,878,777-240,878,795 gives the same sequence; the c. name uses the placement nearest the transcript's 3' end. VCF-style (leftmost placement, unchanged base first): chr2-240878776-GGCCCTGAGGGCGGCCCT-G. GRCh37 (hg19) VCF-style: chr2-241818193-GGCCCTGAGGGCGGCCCT-G.
Other names: short protein forms L380fs.
Identifiers: ClinVar variation 5004693 (VCV005004693.1).